The following is an entry in ClinVar:

NM_001252024.2(TRPM1):c.3064C>T (p.Arg1022Ter)

Genes: TRPM1 (transient receptor potential cation channel subfamily M member 1; minus strand), TRPM1-AS1 (TRPM1 antisense RNA 1; plus strand). Cytogenetic location: 15q13.3.
Variant type: single nucleotide variant.
Coding change: c.3064C>T on transcript NM_001252024.2 (MANE Select); coding-DNA position 3064, C replaced by T.
Protein change: p.Arg1022Ter; replaces arginine 1022 with a stop codon.
Molecular consequence: nonsense.
Genome position (GRCh38, 1-based): chr15:31,031,046, G>A on the plus strand (C>T on the coding strand, the complement: TRPM1 is on the minus strand). VCF-style: chr15-31031046-G-A. GRCh37 (hg19) VCF-style: chr15-31323249-G-A.
Other names: c.3115C>T, p.Arg1039Ter (NM_001252020.2); c.2998C>T, p.Arg1000Ter (NM_002420.6); c.3115C>T (NM_001252020.1); short protein forms R1000*, R1022*, R1039*.
Identifiers: ClinVar variation 167748 (VCV000167748.23), dbSNP rs369742878, ClinGen allele CA201886.

ClinVar aggregate classification (germline): Pathogenic/Likely pathogenic. Review status: criteria provided, multiple submitters, no conflicts (2 of 4 stars). 9 submissions from 9 submitters: Pathogenic (5); Likely pathogenic (1). 3 of the submissions do not count toward it. Last evaluated 2026-09-25.

Conditions:
TRPM1-related disorder. Also called: TRPM1-related condition.
Retinal disorder. Also called: Retinopathy; Retinopathies; Retinal Diseases; Retinal disorders. Identifiers: MedGen C0035309, MONDO:0005283, HP:0000488.

Allele frequency attached by ClinVar (database versions not stated): TOPMed 0.00003; gnomAD 0.00004; gnomAD exomes 0.00006; ESP Exome Variant Server 0.00008; ExAC 0.00010.
gnomAD v4.1: 95 of 1,613,966 alleles (0.0059%); highest among the groups gnomAD compares: Non-Finnish European, 0.0076%; no homozygotes.

Submissions (9):

PreventionGenetics, part of Exact Sciences
Classification: Pathogenic for TRPM1-related condition. Last evaluated: 2026-09-25. Review status: criteria provided, single submitter. Criteria: ACMG Guidelines, 2015. Collection method: clinical testing. Allele origin: germline.
Comment: The TRPM1 c.3115C>T variant is predicted to result in premature protein termination (p.Arg1039*). This variant has been reported in the compound heterozygous state in an individual with retinitis pigmentosa (referred to as c.2998C>T (p.Arg1000*) in van Huet et al. 2015. PubMed ID: 25999674). This variant is reported in 0.010% of alleles in individuals of European (Non-Finnish) descent in gnomAD. Nonsense variants in TRPM1 are expected to be pathogenic. This variant is interpreted as pathogenic.

Genetics Laboratory, Great Ormond Street Hospital NHS Foundation Trust, North Thames Genomic Laboratory Hub
Classification: Pathogenic for Retinal disorders. Last evaluated: 2025-11-04. Review status: criteria provided, single submitter. Criteria: ACGS Best Practice Guidelines for Variant Classification in Rare Disease 2024 v1.2. Collection method: clinical testing. Allele origin: germline. Affected: yes.
Comment: PM2_moderate, PVS1_very-strong

Labcorp Genetics (formerly Invitae), Labcorp
Classification: Pathogenic. Last evaluated: 2025-07-21. Review status: criteria provided, single submitter. Criteria: Invitae Variant Classification Sherloc (09022015). Collection method: clinical testing. Allele origin: germline.
Comment: This sequence change creates a premature translational stop signal (p.Arg1000*) in the TRPM1 gene. It is expected to result in an absent or disrupted protein product. Loss-of-function variants in TRPM1 are known to be pathogenic (PMID: 19896113, 19966281, 20300565). This variant is present in population databases (rs369742878, gnomAD 0.009%). This premature translational stop signal has been observed in individual(s) with TRPM1-related conditions (PMID: 25999674). ClinVar contains an entry for this variant (Variation ID: 167748). For these reasons, this variant has been classified as Pathogenic.

Blueprint Genetics
Classification: Pathogenic for TRPM1-related disorders. Last evaluated: 2024-08-09. Review status: criteria provided, single submitter. Criteria: ACMG Guidelines, 2015. Collection method: clinical testing. Allele origin: germline. Affected: yes. Observed: 4 variant alleles.

GeneDx
Classification: Likely pathogenic. Last evaluated: 2022-12-27. Review status: criteria provided, single submitter. Criteria: GeneDx Variant Classification Process June 2021. Collection method: clinical testing. Allele origin: germline. Affected: yes.
Comment: Observed with a second TRPM1 variant in a patient with suspected retinitis pigmentosa based on clinical history, although patient specific clinical information was not provided (van Huet et al., 2015); Observed in the heterozygous state in an individual with schizophrenia, but additional clinical information and familial segregation data were not provided (Hu et al., 2014); Nonsense variant predicted to result in protein truncation or nonsense mediated decay in a gene for which loss of function is a known mechanism of disease; Not observed at significant frequency in large population cohorts (gnomAD); This variant is associated with the following publications: (PMID: 24126932, 25999674)

Eurofins Ntd Llc (ga)
Classification: Pathogenic. Last evaluated: 2014-02-18. Review status: criteria provided, single submitter. Criteria: EGL Classification Definitions. Collection method: clinical testing. Allele origin: germline. Observed: 3 variant alleles, 3 heterozygotes.

Clinical Genetics DNA and cytogenetics Diagnostics Lab, Erasmus MC, Erasmus Medical Center
Classification: Pathogenic. Review status: no assertion criteria provided. Collection method: clinical testing. Allele origin: germline. Affected: yes. Study: VKGL Data-share Consensus. Not counted in ClinVar's aggregate classification.

Joint Genome Diagnostic Labs from Nijmegen and Maastricht, Radboudumc and MUMC+
Classification: Pathogenic. Review status: no assertion criteria provided. Collection method: clinical testing. Allele origin: germline. Affected: yes. Study: VKGL Data-share Consensus. Not counted in ClinVar's aggregate classification.

Laboratory of Diagnostic Genome Analysis, Leiden University Medical Center (LUMC)
Classification: Pathogenic. Review status: no assertion criteria provided. Collection method: clinical testing. Allele origin: germline. Affected: yes. Study: VKGL Data-share Consensus. Not counted in ClinVar's aggregate classification.

Literature cited by the submitters: PubMed 19896113 (cited by Labcorp Genetics (formerly Invitae), Labcorp); PubMed 19966281 (cited by Labcorp Genetics (formerly Invitae), Labcorp); PubMed 20300565 (cited by Labcorp Genetics (formerly Invitae), Labcorp); PubMed 25999674 (cited by Labcorp Genetics (formerly Invitae), Labcorp).